The following is an entry in ClinVar:

ClinVar aggregate classification (germline): Uncertain significance. Review status: criteria provided, multiple submitters, no conflicts (2 of 4 stars). 2 submissions from 2 submitters: Uncertain significance (2). Last evaluated 2025-07-06.

gnomAD v4.1: 21 of 1,613,034 alleles (0.0013%); highest among the groups gnomAD compares: Middle Eastern, 0.033%; no homozygotes.

Submissions (2):

Labcorp Genetics (formerly Invitae), Labcorp
Classification: Uncertain significance. Last evaluated: 2025-07-06. Review status: criteria provided, single submitter. Criteria: Invitae Variant Classification Sherloc (09022015). Collection method: clinical testing. Allele origin: germline.
Comment: This sequence change replaces phenylalanine, which is neutral and non-polar, with cysteine, which is neutral and slightly polar, at codon 794 of the VARS2 protein (p.Phe794Cys). This variant is present in population databases (rs199622377, gnomAD 0.003%). This variant has not been reported in the literature in individuals affected with VARS2-related conditions. ClinVar contains an entry for this variant (Variation ID: 3342519). Invitae Evidence Modeling of protein sequence and biophysical properties (such as structural, functional, and spatial information, amino acid conservation, physicochemical variation, residue mobility, and thermodynamic stability) indicates that this missense variant is not expected to disrupt VARS2 protein function with a negative predictive value of 80%. In summary, the available evidence is currently insufficient to determine the role of this variant in disease. Therefore, it has been classified as a Variant of Uncertain Significance.

GeneDx
Classification: Uncertain significance. Last evaluated: 2023-11-09. Review status: criteria provided, single submitter. Criteria: GeneDx Variant Classification Process June 2021. Collection method: clinical testing. Allele origin: germline. Affected: yes.
Comment: Not observed at significant frequency in large population cohorts (gnomAD); In silico analysis supports that this missense variant has a deleterious effect on protein structure/function; Has not been previously published as pathogenic or benign to our knowledge

NM_020442.6(VARS2):c.2291T>G (p.Phe764Cys)

Genes: VARS2 (valyl-tRNA synthetase 2, mitochondrial; plus strand), LOC126859646 (MED14-independent group 3 enhancer GRCh37_chr6:30889690-30890889; plus strand). Cytogenetic location: 6p21.33.
Variant type: single nucleotide variant.
Coding change: c.2291T>G on transcript NM_020442.6 (MANE Select); coding-DNA position 2291, T replaced by G.
Protein change: p.Phe764Cys; replaces phenylalanine 764 with cysteine.
Molecular consequence: missense variant.
Genome position (GRCh38, 1-based): chr6:30,923,209, T>G. VCF-style: chr6-30923209-T-G. GRCh37 (hg19) VCF-style: chr6-30890986-T-G.
Other names: c.1871T>G, p.Phe624Cys (NM_001167733.3); c.2381T>G, p.Phe794Cys (NM_001167734.2); short protein forms F624C, F764C, F794C.
Identifiers: ClinVar variation 3342519 (VCV003342519.2).